The following is an entry in ClinVar:

NM_000702.4(ATP1A2):c.368C>A (p.Pro123Gln)

Gene: ATP1A2 (ATPase Na+/K+ transporting subunit alpha 2; plus strand). Cytogenetic location: 1q23.2.
Variant type: single nucleotide variant.
Coding change: c.368C>A on transcript NM_000702.4 (MANE Select); coding-DNA position 368, C replaced by A.
Protein change: p.Pro123Gln; replaces proline 123 with glutamine.
Molecular consequence: missense variant.
Genome position (GRCh38, 1-based): chr1:160,123,403, C>A. VCF-style: chr1-160123403-C-A. GRCh37 (hg19) VCF-style: chr1-160093193-C-A.
Other names: short protein forms P123Q.
Identifiers: ClinVar variation 1878978 (VCV001878978.6), dbSNP rs1323826655, ClinGen allele CA343231931.

ClinVar aggregate classification (germline): Uncertain significance. Review status: criteria provided, multiple submitters, no conflicts (2 of 4 stars). 2 submissions from 2 submitters: Uncertain significance (2). Last evaluated 2022-08-03.

Conditions:
Familial hemiplegic migraine. Identifiers: MedGen C0338484, MONDO:0000700.

Allele frequency attached by ClinVar (database versions not stated): gnomAD exomes below 0.00001.

Submissions (2):

Labcorp Genetics (formerly Invitae), Labcorp
Classification: Uncertain significance for Familial hemiplegic migraine. Last evaluated: 2022-08-03. Review status: criteria provided, single submitter. Criteria: Invitae Variant Classification Sherloc (09022015). Collection method: clinical testing. Allele origin: germline.
Comment: In summary, the available evidence is currently insufficient to determine the role of this variant in disease. Therefore, it has been classified as a Variant of Uncertain Significance. Advanced modeling of protein sequence and biophysical properties (such as structural, functional, and spatial information, amino acid conservation, physicochemical variation, residue mobility, and thermodynamic stability) performed at Invitae indicates that this missense variant is not expected to disrupt ATP1A2 protein function. This variant has not been reported in the literature in individuals affected with ATP1A2-related conditions. This variant is present in population databases (no rsID available, gnomAD 0.006%). This sequence change replaces proline, which is neutral and non-polar, with glutamine, which is neutral and polar, at codon 123 of the ATP1A2 protein (p.Pro123Gln).

GeneDx
Classification: Uncertain significance. Last evaluated: 2022-07-11. Review status: criteria provided, single submitter. Criteria: GeneDx Variant Classification Process June 2021. Collection method: clinical testing. Allele origin: germline. Affected: yes.
Comment: In silico analysis supports that this missense variant has a deleterious effect on protein structure/function; Has not been previously published as pathogenic or benign to our knowledge